The following is an entry in ClinVar:

ClinVar aggregate classification (germline): Uncertain significance (1 of 4 stars; one submission).

Conditions:
Hereditary cancer-predisposing syndrome. Also called: Neoplastic Syndromes, Hereditary; Tumor predisposition; Hereditary Cancer Syndrome; Hereditary neoplastic syndrome. Identifiers: Orphanet 140162, MedGen C0027672, MeSH D009386, MONDO:0015356.

Submission:

Ambry Genetics
Classification: Uncertain significance for Hereditary cancer-predisposing syndrome. Last evaluated: 2025-08-23. Review status: criteria provided, single submitter. Criteria: Ambry Variant Classification Scheme 2023. Collection method: clinical testing. Allele origin: germline.
Comment: The p.S123I variant (also known as c.368G>T), located in coding exon 5 of the BAP1 gene, results from a G to T substitution at nucleotide position 368. The serine at codon 123 is replaced by isoleucine, an amino acid with dissimilar properties. This amino acid position is conserved. In addition, the in silico prediction for this alteration is inconclusive. Based on the available evidence, the clinical significance of this variant remains unclear.

NM_004656.4(BAP1):c.368G>T (p.Ser123Ile)

Gene: BAP1 (BRCA1 associated deubiquitinase 1; minus strand). Cytogenetic location: 3p21.1.
Variant type: single nucleotide variant.
Coding change: c.368G>T on transcript NM_004656.4 (MANE Select); coding-DNA position 368, G replaced by T.
Protein change: p.Ser123Ile; replaces serine 123 with isoleucine.
Molecular consequence: missense variant.
Genome position (GRCh38, 1-based): chr3:52,407,965, C>A on the plus strand (G>T on the coding strand, the complement: BAP1 is on the minus strand). VCF-style: chr3-52407965-C-A. GRCh37 (hg19) VCF-style: chr3-52441981-C-A.
Other names: c.368G>T, p.Ser123Ile (NM_001410772.1); short protein forms S123I.
Identifiers: ClinVar variation 4194775 (VCV004194775.1).